The following is an entry in ClinVar:

ClinVar aggregate classification (germline): Benign/Likely benign. Review status: criteria provided, multiple submitters, no conflicts (2 of 4 stars). 10 submissions from 10 submitters: Benign (2); Likely benign (5). 3 of the submissions do not count toward it. Last evaluated 2026-01-31.

Conditions:
Cardiovascular phenotype. Identifiers: MedGen CN230736.
Ehlers-Danlos syndrome (EDS). Identifiers: Orphanet 98249, MedGen C0013720, MONDO:0020066.
ZNF469-related disorder. Also called: ZNF469-related condition.

Allele frequency attached by ClinVar (database versions not stated): TOPMed 0.00065.
gnomAD v4.1: 1,469 of 1,545,984 alleles (0.095%); highest among the groups gnomAD compares: Middle Eastern, 0.083%; 1 homozygote.

Submissions (10):

Labcorp Genetics (formerly Invitae), Labcorp
Classification: Benign. Last evaluated: 2026-01-31. Review status: criteria provided, single submitter. Criteria: Invitae Variant Classification Sherloc (09022015). Collection method: clinical testing. Allele origin: germline.

CeGaT Center for Human Genetics Tuebingen
Classification: Benign. Last evaluated: 2025-12-01. Review status: criteria provided, single submitter. Criteria: CeGaT Center For Human Genetics Tuebingen Variant Classification Criteria Version 2. Collection method: clinical testing. Allele origin: germline. Affected: yes. Observed: 5 variant alleles.
Comment: ZNF469: BP4, BS1, BS2

Mayo Clinic Laboratories, Mayo Clinic
Classification: Likely benign. Last evaluated: 2025-04-14. Review status: criteria provided, single submitter. Criteria: ACMG Guidelines, 2015. Collection method: clinical testing. Allele origin: germline. Observed: 3 variant alleles.
Comment: BS1, BP4_moderate

Blueprint Genetics
Classification: Likely benign. Last evaluated: 2024-11-26. Review status: criteria provided, single submitter. Criteria: ACMG Guidelines, 2015. Collection method: clinical testing. Allele origin: germline.

Genome Diagnostics Laboratory, The Hospital for Sick Children
Classification: Likely benign for Ehlers-Danlos syndrome. Last evaluated: 2021-09-24. Review status: criteria provided, single submitter. Criteria: ACMG Guidelines, 2015. Collection method: clinical testing. Allele origin: germline.

Ambry Genetics
Classification: Likely benign for Cardiovascular phenotype. Last evaluated: 2019-11-01. Review status: criteria provided, single submitter. Criteria: Ambry Variant Classification Scheme 2023. Collection method: clinical testing. Allele origin: germline.

GeneDx
Classification: Likely benign. Last evaluated: 2017-11-09. Review status: criteria provided, single submitter. Criteria: GeneDx Variant Classification (06012015). Collection method: clinical testing. Allele origin: germline. Affected: yes.
Comment: This variant is considered likely benign or benign based on one or more of the following criteria: it is a conservative change, it occurs at a poorly conserved position in the protein, it is predicted to be benign by multiple in silico algorithms, and/or has population frequency not consistent with disease.

PreventionGenetics, part of Exact Sciences
Classification: Likely benign for ZNF469-related condition. Last evaluated: 2020-02-25. Review status: no assertion criteria provided. Collection method: clinical testing. Allele origin: germline. Not counted in ClinVar's aggregate classification.
Comment: This variant is classified as likely benign based on ACMG/AMP sequence variant interpretation guidelines (Richards et al. 2015 PMID: 25741868, with internal and published modifications).

Clinical Genetics DNA and cytogenetics Diagnostics Lab, Erasmus MC, Erasmus Medical Center
Classification: Likely benign. Review status: no assertion criteria provided. Collection method: clinical testing. Allele origin: germline. Affected: yes. Study: VKGL Data-share Consensus. Not counted in ClinVar's aggregate classification.

Genome Diagnostics Laboratory, Amsterdam University Medical Center
Classification: Likely benign. Review status: no assertion criteria provided. Collection method: clinical testing. Allele origin: germline. Affected: yes. Study: VKGL Data-share Consensus. Not counted in ClinVar's aggregate classification.

Literature cited by the submitters: PubMed 31107761 (cited by Mayo Clinic Laboratories, Mayo Clinic); PubMed 33816482 (cited by Mayo Clinic Laboratories, Mayo Clinic).

NM_001367624.2(ZNF469):c.10328G>C (p.Gly3443Ala)

Gene: ZNF469 (zinc finger protein 469; plus strand). Cytogenetic location: 16q24.2.
Variant type: single nucleotide variant.
Coding change: c.10328G>C on transcript NM_001367624.2 (MANE Select); coding-DNA position 10328, G replaced by C.
Protein change: p.Gly3443Ala; replaces glycine 3443 with alanine.
Molecular consequence: missense variant.
Genome position (GRCh38, 1-based): chr16:88,437,798, G>C. VCF-style: chr16-88437798-G-C. GRCh37 (hg19) VCF-style: chr16-88504206-G-C.
Other names: NM_001127464.1:c.10244G>C; NM_001127464.2:c.10244G>C; p.Gly3443Ala; short protein forms G3443A.
Identifiers: ClinVar variation 506879 (VCV000506879.57), dbSNP rs140056980, ClinGen allele CA8225500.